The following is an entry in ClinVar:

NM_173689.7(CRB2):c.278G>A (p.Arg93His)

Gene: CRB2 (crumbs cell polarity complex component 2; plus strand). Cytogenetic location: 9q33.3.
Variant type: single nucleotide variant.
Coding change: c.278G>A on transcript NM_173689.7 (MANE Select); coding-DNA position 278, G replaced by A.
Protein change: p.Arg93His; replaces arginine 93 with histidine.
Molecular consequence: missense variant.
Genome position (GRCh38, 1-based): chr9:123,363,048, G>A. VCF-style: chr9-123363048-G-A. GRCh37 (hg19) VCF-style: chr9-126125327-G-A.
Other names: p.Arg93His; short protein forms R93H.
Identifiers: ClinVar variation 720137 (VCV000720137.44), dbSNP rs138381817, ClinGen allele CA5231595.

ClinVar aggregate classification (germline): Benign/Likely benign. Review status: criteria provided, multiple submitters, no conflicts (2 of 4 stars). 7 submissions from 7 submitters: Benign (3); Likely benign (4). Last evaluated 2026-09-01.

Allele frequency attached by ClinVar (database versions not stated): 1000 Genomes Project 0.00300; 1000 Genomes Project 30x 0.00312; gnomAD 0.00563 and 0.00567; ExAC 0.00579; gnomAD exomes 0.00602; TOPMed 0.00625; ESP Exome Variant Server 0.00846.
gnomAD v4.1: 11,763 of 1,611,816 alleles (0.73%); highest among the groups gnomAD compares: Middle Eastern, 1.4%; 81 homozygotes.

Submissions (7):

CeGaT Center for Human Genetics Tuebingen
Classification: Likely benign. Last evaluated: 2026-09-01. Review status: criteria provided, single submitter. Criteria: CeGaT Center For Human Genetics Tuebingen Variant Classification Criteria Version 2. Collection method: clinical testing. Allele origin: germline. Affected: yes. Observed: 11 variant alleles.
Comment: CRB2: BP4, BS2

Labcorp Genetics (formerly Invitae), Labcorp
Classification: Benign. Last evaluated: 2026-01-27. Review status: criteria provided, single submitter. Criteria: Invitae Variant Classification Sherloc (09022015). Collection method: clinical testing. Allele origin: germline.

Genomic Medicine Center of Excellence, King Faisal Specialist Hospital and Research Centre
Classification: Likely benign. Last evaluated: 2025-08-18. Review status: criteria provided, single submitter. Criteria: ACMG Guidelines, 2015. Collection method: clinical testing. Allele origin: germline.

Mayo Clinic Laboratories, Mayo Clinic
Classification: Benign. Last evaluated: 2023-02-16. Review status: criteria provided, single submitter. Criteria: ACMG Guidelines, 2015. Collection method: clinical testing. Allele origin: germline. Observed: 5 variant alleles.
Comment: BS1, BS2, BP4

Genetic Services Laboratory, University of Chicago
Classification: Benign. Last evaluated: 2021-06-18. Review status: criteria provided, single submitter. Criteria: ACMG Guidelines, 2015. Collection method: clinical testing. Allele origin: germline. Affected: no.

GeneDx
Classification: Likely benign. Last evaluated: 2021-01-05. Review status: criteria provided, single submitter. Criteria: GeneDx Variant Classification Process June 2021. Collection method: clinical testing. Allele origin: germline. Affected: yes.

Breakthrough Genomics
Classification: Likely benign. Review status: criteria provided, single submitter. Criteria: ACMG Guidelines, 2015. Collection method: not provided. Allele origin: germline. Inheritance: Autosomal recessive inheritance. Affected: yes.